The following is an entry in ClinVar:

ClinVar aggregate classification (germline): Benign/Likely benign. Review status: criteria provided, multiple submitters, no conflicts (2 of 4 stars). 5 submissions from 5 submitters: Benign (1); Likely benign (4). Last evaluated 2025-06-24.

Conditions:
Juvenile polyposis syndrome (JPS). Identifiers: Orphanet 2929, MedGen C0345893, MONDO:0017380, OMIM 174900.
Hereditary cancer-predisposing syndrome. Also called: Neoplastic Syndromes, Hereditary; Hereditary Cancer Syndrome; Hereditary neoplastic syndrome; Tumor predisposition. Identifiers: Orphanet 140162, MedGen C0027672, MeSH D009386, MONDO:0015356.
Familial thoracic aortic aneurysm and aortic dissection (TAAD). Also called: Thoracic aortic aneurysms and dissections. Identifiers: Orphanet 91387, MedGen C4707243, MONDO:0019625.
Juvenile polyposis/hereditary hemorrhagic telangiectasia syndrome (JPHT). Also called: POLYPOSIS, GENERALIZED JUVENILE, WITH PULMONARY ARTERIOVENOUS MALFORMATION; TELANGIECTASIA, HEREDITARY HEMORRHAGIC, WITH JUVENILE POLYPOSIS COLI; Juvenile Polyposis Syndrome / Hereditary Hemorrhagic Telangiectasia (JPS/HHT); JP/HHT SYNDROME; JUVENILE POLYPOSIS WITH HEREDITARY HEMORRHAGIC TELANGIECTASIA. Identifiers: Orphanet 2929, MedGen C1832942, MONDO:0008278, OMIM 175050.

Allele frequency attached by ClinVar (database versions not stated): gnomAD exomes below 0.00001; TOPMed below 0.00001.
gnomAD v4.1: 3 of 1,614,150 alleles (0.00019%); highest among the groups gnomAD compares: East Asian, 0.0045%; no homozygotes.

Submissions (5):

Labcorp Genetics (formerly Invitae), Labcorp
Classification: Likely benign for Juvenile polyposis syndrome. Last evaluated: 2025-06-24. Review status: criteria provided, single submitter. Criteria: Invitae Variant Classification Sherloc (09022015). Collection method: clinical testing. Allele origin: germline.

Women's Health and Genetics/Laboratory Corporation of America, LabCorp
Classification: Likely benign. Last evaluated: 2025-05-23. Review status: criteria provided, single submitter. Criteria: LabCorp Variant Classification Summary - May 2015. Collection method: clinical testing. Allele origin: germline.

Myriad Genetics, Inc.
Classification: Benign for Juvenile polyposis/hereditary hemorrhagic telangiectasia syndrome. Last evaluated: 2025-03-19. Review status: criteria provided, single submitter. Criteria: Myriad Autosomal Dominant, Autosomal Recessive and X-Linked Classification Criteria (2023). Collection method: clinical testing. Allele origin: unknown.
Comment: This variant is considered benign. This variant is a silent/synonymous amino acid change and it is not expected to impact splicing.

Color Diagnostics, LLC DBA Color Health
Classification: Likely benign for Hereditary cancer-predisposing syndrome. Last evaluated: 2023-10-16. Review status: criteria provided, single submitter. Criteria: ACMG Guidelines, 2015. Collection method: clinical testing. Allele origin: germline.

Ambry Genetics
Classification: Likely benign for Hereditary cancer-predisposing syndrome; Familial thoracic aortic aneurysm and aortic dissection. Last evaluated: 2018-09-07. Review status: criteria provided, single submitter. Criteria: Ambry Variant Classification Scheme 2023. Collection method: clinical testing. Allele origin: germline.

NM_005359.6(SMAD4):c.621T>C (p.Asn207=)

Gene: SMAD4 (SMAD family member 4; plus strand). Cytogenetic location: 18q21.2.
Variant type: single nucleotide variant.
Coding change: c.621T>C on transcript NM_005359.6 (MANE Select); coding-DNA position 621, T replaced by C.
Protein change: p.Asn207=; no amino-acid change (asparagine 207 retained).
Molecular consequence: synonymous variant.
Genome position (GRCh38, 1-based): chr18:51,054,947, T>C. VCF-style: chr18-51054947-T-C. GRCh37 (hg19) VCF-style: chr18-48581317-T-C.
Identifiers: ClinVar variation 460558 (VCV000460558.19), dbSNP rs1452122852, ClinGen allele CA503873775.